The following is an entry in ClinVar:

ClinVar aggregate classification (germline): Benign. Review status: criteria provided, multiple submitters, no conflicts (2 of 4 stars). 2 submissions from 2 submitters: Benign (2). Last evaluated 2018-06-16.

Conditions:
Autosomal dominant nonsyndromic hearing loss 5. Identifiers: Orphanet 90635, MedGen C1832932, MONDO:0010973, OMIM 600994.

Allele frequency attached by ClinVar (database versions not stated): 1000 Genomes Project 30x 0.02092; 1000 Genomes Project 0.02137; TOPMed 0.03572; gnomAD 0.03836 and 0.03910; ESP Exome Variant Server 0.03852; gnomAD exomes 0.04329 and 0.05296; ExAC 0.05487.
gnomAD v4.1: 75,979 of 1,480,710 alleles (5.1%); highest among the groups gnomAD compares: Non-Finnish European, 5.9%; 2,257 homozygotes.

Submissions (2):

GeneDx
Classification: Benign. Last evaluated: 2018-06-16. Review status: criteria provided, single submitter. Criteria: GeneDx Variant Classification Process June 2021. Collection method: clinical testing. Allele origin: germline. Affected: yes.

Illumina Laboratory Services, Illumina
Classification: Benign for Autosomal dominant nonsyndromic hearing loss 5. Last evaluated: 2018-01-13. Review status: criteria provided, single submitter. Criteria: ICSL Variant Classification Criteria 13 December 2019. Collection method: clinical testing. Allele origin: germline.
Comment: This variant was observed in the ICSL laboratory as part of a predisposition screen in an ostensibly healthy population. It had not been previously curated by ICSL or reported in the Human Gene Mutation Database (HGMD: prior to June 1st, 2018), and was therefore a candidate for classification through an automated scoring system. Utilizing variant allele frequency, disease prevalence and penetrance estimates, and inheritance mode, an automated score was calculated to assess if this variant is too frequent to cause the disease. Based on the score and internal cut-off values, a variant classified as benign is not then subjected to further curation. The score for this variant resulted in a classification of benign for this disease.

NM_001127453.2(GSDME):c.*30C>T

Gene: GSDME (gasdermin E; minus strand). Cytogenetic location: 7p15.3.
Variant type: single nucleotide variant.
Coding change: c.*30C>T on transcript NM_001127453.2 (MANE Select); 30 bases downstream of the stop codon, C replaced by T.
Molecular consequence: 3 prime UTR variant.
Genome position (GRCh38, 1-based): chr7:24,698,996, G>A on the plus strand (C>T on the coding strand, the complement: GSDME is on the minus strand). VCF-style: chr7-24698996-G-A. GRCh37 (hg19) VCF-style: chr7-24738615-G-A.
Other names: c.*30C>T (NM_001127454.2, NM_004403.3).
Identifiers: ClinVar variation 359836 (VCV000359836.7), dbSNP rs17274530, ClinGen allele CA4191253.